The following is an entry in ClinVar:

NM_006766.5(KAT6A):c.4372_4373del (p.Ser1458fs)

Gene: KAT6A (lysine acetyltransferase 6A; minus strand). Cytogenetic location: 8p11.21.
Variant type: Microsatellite.
Coding change: c.4372_4373del on transcript NM_006766.5 (MANE Select); coding-DNA positions 4372 to 4373, 2 bases deleted (AG; older notation c.4372_4373delAG).
Protein change: p.Ser1458fs; shifts the reading frame from serine 1458.
Molecular consequence: frameshift variant.
Genome position (GRCh38, 1-based): chr8:41,933,847-41,933,848, CT deleted on the plus strand (AG on the coding strand, the reverse complement: KAT6A is on the minus strand); deleting any 2 consecutive bases within chr8:41,933,847-41,933,850 gives the same sequence; the c. name uses the placement nearest the transcript's 3' end. VCF-style (leftmost placement, unchanged base first): chr8-41933846-ACT-A. GRCh37 (hg19) VCF-style: chr8-41791364-ACT-A.
Other names: c.4372_4373delAG (NM_006766.3); short protein forms S1458fs.
Identifiers: ClinVar variation 817759 (VCV000817759.3), dbSNP rs1587708558, ClinGen allele CA915945665.

ClinVar aggregate classification (germline): Pathogenic. Review status: criteria provided, multiple submitters, no conflicts (2 of 4 stars). 2 submissions from 2 submitters: Pathogenic (2). Last evaluated 2026-02-27.

Conditions:
Autosomal dominant intellectual disability-craniofacial anomalies-cardiac defects syndrome (ARTHS). Also called: Arboleda-Tham syndrome; Mental retardation, autosomal dominant 32; KAT6A syndrome. Identifiers: Orphanet 457193, MedGen C4225396, MONDO:0014558, OMIM 616268.

Submissions (2):

Institute of Immunology and Genetics Kaiserslautern
Classification: Pathogenic for Autosomal dominant intellectual disability-craniofacial anomalies-cardiac defects syndrome. Last evaluated: 2026-02-27. Review status: criteria provided, single submitter. Criteria: ACMG Guidelines, 2015. Collection method: clinical testing. Allele origin: de novo. Affected: yes.
Comment: ACMG Criteria: PVS1, PS2, PS4_P PM2; Variant was found in heterozygous state. De novo-status was confirmed via in-house segregation analysis.

GeneDx
Classification: Pathogenic. Last evaluated: 2019-10-15. Review status: criteria provided, single submitter. Criteria: GeneDx Variant Classification Process June 2021. Collection method: clinical testing. Allele origin: germline. Affected: yes.
Comment: Frameshift variant in the C-terminus predicted to result in protein truncation, as the last 547 amino acids are lost and replaced with 4 incorrect amino acids; Not observed in large population cohorts (Lek et al., 2016); Has not been previously published as pathogenic or benign to our knowledge